The following is an entry in ClinVar:

NM_021728.4(OTX2):c.379C>T (p.Arg127Trp)

Gene: OTX2 (orthodenticle homeobox 2; minus strand). Cytogenetic location: 14q22.3.
Variant type: single nucleotide variant.
Coding change: c.379C>T on transcript NM_021728.4 (MANE Select); coding-DNA position 379, C replaced by T.
Protein change: p.Arg127Trp; replaces arginine 127 with tryptophan.
Molecular consequence: missense variant. On other transcripts: non-coding transcript variant (2).
Genome position (GRCh38, 1-based): chr14:56,802,250, G>A on the plus strand (C>T on the coding strand, the complement: OTX2 is on the minus strand). VCF-style: chr14-56802250-G-A. GRCh37 (hg19) VCF-style: chr14-57268968-G-A.
Other names: c.355C>T, p.Arg119Trp (NM_001270523.2, NM_001270524.2, NM_172337.3); c.379C>T, p.Arg127Trp (NM_001270525.2); short protein forms R119W, R127W.
Identifiers: ClinVar variation 4749299 (VCV004749299.1).

ClinVar aggregate classification (germline): Uncertain significance (1 of 4 stars; one submission).

Conditions:
Anophthalmia-microphthalmia syndrome. Also called: Anophthalmia/Microphthalmia; Anophthalmia - microphthalmia. Identifiers: Orphanet 98555, MedGen C5680330, MONDO:0020147.

Submission:

Labcorp Genetics (formerly Invitae), Labcorp
Classification: Uncertain significance for Anophthalmia-microphthalmia syndrome. Last evaluated: 2025-11-13. Review status: criteria provided, single submitter. Criteria: Invitae Variant Classification Sherloc (09022015). Collection method: clinical testing. Allele origin: germline.
Comment: This sequence change replaces arginine, which is basic and polar, with tryptophan, which is neutral and slightly polar, at codon 119 of the OTX2 protein (p.Arg119Trp). This variant is present in population databases (rs775702810, gnomAD 0.0009%). This variant has not been reported in the literature in individuals affected with OTX2-related conditions. An algorithm developed to predict the effect of missense changes on protein structure and function (PolyPhen-2) suggests that this variant is likely to be disruptive. In summary, the available evidence is currently insufficient to determine the role of this variant in disease. Therefore, it has been classified as a Variant of Uncertain Significance.